The following is an entry in ClinVar:

ClinVar aggregate classification (germline): Likely pathogenic (1 of 4 stars; one submission).

Conditions:
Dilated cardiomyopathy 1G (CMD1G). Identifiers: Orphanet 154, MedGen C1858763, MONDO:0011400, OMIM 604145.
Autosomal recessive limb-girdle muscular dystrophy type 2J (LGMDR10). Also called: MUSCULAR DYSTROPHY, LIMB-GIRDLE, AUTOSOMAL RECESSIVE 10; Limb-girdle muscular dystrophy, type 2J. Identifiers: Orphanet 140922, MedGen C1837342, MONDO:0012127, OMIM 608807.

Allele frequency attached by ClinVar (database versions not stated): gnomAD exomes below 0.00001.
gnomAD v4.1: 1 of 1,509,820 alleles (0.000066%); highest among the groups gnomAD compares: Non-Finnish European, 0.000088%; no homozygotes.

Submission:

Labcorp Genetics (formerly Invitae), Labcorp
Classification: Likely pathogenic for Dilated cardiomyopathy 1G; Autosomal recessive limb-girdle muscular dystrophy type 2J. Last evaluated: 2023-02-11. Review status: criteria provided, single submitter. Criteria: Invitae Variant Classification Sherloc (09022015). Collection method: clinical testing. Allele origin: germline.
Comment: In summary, the currently available evidence indicates that the variant is pathogenic, but additional data are needed to prove that conclusively. Therefore, this variant has been classified as Likely Pathogenic. This variant is located in the A band of TTN (PMID: 25589632). Truncating variants in this region are significantly overrepresented in patients affected with dilated cardiomyopathy (PMID: 25589632). Truncating variants in this region have also been reported in individuals affected with autosomal recessive centronuclear myopathy (PMID: 23975875). This variant has not been reported in the literature in individuals affected with TTN-related conditions. This variant is not present in population databases (gnomAD no frequency). This sequence change creates a premature translational stop signal (p.Gly24221*) in the TTN gene. While this is not anticipated to result in nonsense mediated decay, it is expected to create a truncated TTN protein.

Literature cited by the submitters: PubMed 25589632; PubMed 23975875.

NM_001267550.2(TTN):c.72661G>T (p.Gly24221Ter)

Genes: TTN (titin; minus strand), TTN-AS1 (TTN antisense RNA 1; plus strand). Cytogenetic location: 2q31.2.
Variant type: single nucleotide variant.
Coding change: c.72661G>T on transcript NM_001267550.2 (MANE Select); coding-DNA position 72661, G replaced by T.
Protein change: p.Gly24221Ter; replaces glycine 24221 with a stop codon.
Molecular consequence: nonsense.
Genome position (GRCh38, 1-based): chr2:178,573,471, C>A on the plus strand (G>T on the coding strand, the complement: TTN is on the minus strand). VCF-style: chr2-178573471-C-A. GRCh37 (hg19) VCF-style: chr2-179438198-C-A.
Other names: c.67738G>T, p.Gly22580Ter (NM_001256850.1); c.45466G>T, p.Gly15156Ter (NM_003319.4); c.64957G>T, p.Gly21653Ter (NM_133378.4); c.45841G>T, p.Gly15281Ter (NM_133432.3); c.46042G>T, p.Gly15348Ter (NM_133437.4); short protein forms G22580*, G15348*, G21653*, G15156*, G15281*, G24221*.
Identifiers: ClinVar variation 2944161 (VCV002944161.3), dbSNP rs2468587162, ClinGen allele CA349646151.
Genomic context (GRCh38, chr2:178,573,471, plus strand): 5'-CAACCATCGAATCTTTAGTAATAGTTGTCACTTCAGGGTTTTTGGGCGGATCAGGGGGTC[C>A]ATAAGGATTCACTGCAAGCACAGGCTCTGATTCCAGTGGCTCTCCCACTCCATATTTATT-3'